The following is an entry in ClinVar:

ClinVar aggregate classification (germline): Benign/Likely benign. Review status: criteria provided, multiple submitters, no conflicts (2 of 4 stars). 3 submissions from 3 submitters: Benign (1); Likely benign (1). 1 of the submissions does not count toward it. Last evaluated 2026-01-07.

Conditions:
MCIDAS-related disorder. Also called: MCIDAS-related condition.
Primary ciliary dyskinesia. Also called: Ciliary dyskinesia. Identifiers: Orphanet 244, MedGen C0008780, MONDO:0016575, HP:0012265.

Allele frequency attached by ClinVar (database versions not stated): gnomAD exomes 0.00008; ExAC 0.00010; 1000 Genomes Project 0.00060; 1000 Genomes Project 30x 0.00094; gnomAD 0.00102; TOPMed 0.00128.
gnomAD v4.1: 249 of 1,519,884 alleles (0.016%); highest among the groups gnomAD compares: African/African-American, 0.31%; 1 homozygote.

Submissions (3):

Labcorp Genetics (formerly Invitae), Labcorp
Classification: Benign for Primary ciliary dyskinesia. Last evaluated: 2026-01-07. Review status: criteria provided, single submitter. Criteria: Invitae Variant Classification Sherloc (09022015). Collection method: clinical testing. Allele origin: germline.

Blueprint Genetics
Classification: Likely benign. Last evaluated: 2024-01-22. Review status: criteria provided, single submitter. Criteria: ACMG Guidelines, 2015. Collection method: clinical testing. Allele origin: germline.

PreventionGenetics, part of Exact Sciences
Classification: Likely benign for MCIDAS-related condition. Last evaluated: 2019-03-06. Review status: no assertion criteria provided. Collection method: clinical testing. Allele origin: germline. Not counted in ClinVar's aggregate classification.
Comment: This variant is classified as likely benign based on ACMG/AMP sequence variant interpretation guidelines (Richards et al. 2015 PMID: 25741868, with internal and published modifications).

NM_001190787.3(MCIDAS):c.93C>G (p.Leu31=)

Gene: MCIDAS (multiciliate differentiation and DNA synthesis associated cell cycle protein; minus strand). Cytogenetic location: 5q11.2.
Variant type: single nucleotide variant.
Coding change: c.93C>G on transcript NM_001190787.3 (MANE Select); coding-DNA position 93, C replaced by G.
Protein change: p.Leu31=; no amino-acid change (leucine 31 retained).
Molecular consequence: synonymous variant.
Genome position (GRCh38, 1-based): chr5:55,227,046, G>C on the plus strand (C>G on the coding strand, the complement: MCIDAS is on the minus strand). VCF-style: chr5-55227046-G-C. GRCh37 (hg19) VCF-style: chr5-54522874-G-C.
Identifiers: ClinVar variation 525567 (VCV000525567.15), dbSNP rs577029897, ClinGen allele CA3266608.